The following is an entry in ClinVar:

NM_206933.4(USH2A):c.4560C>T (p.Ile1520=)

Gene: USH2A (usherin; minus strand). Cytogenetic location: 1q41.
Variant type: single nucleotide variant.
Coding change: c.4560C>T on transcript NM_206933.4 (MANE Select); coding-DNA position 4560, C replaced by T.
Protein change: p.Ile1520=; no amino-acid change (isoleucine 1520 retained).
Molecular consequence: synonymous variant.
Genome position (GRCh38, 1-based): chr1:216,175,319, G>A on the plus strand (C>T on the coding strand, the complement: USH2A is on the minus strand). VCF-style: chr1-216175319-G-A. GRCh37 (hg19) VCF-style: chr1-216348661-G-A.
Other names: c.4560C>T, p.Ile1520= (NM_007123.6).
Identifiers: ClinVar variation 48518 (VCV000048518.66), dbSNP rs148000219, ClinGen allele CA143488.

ClinVar aggregate classification (germline): Conflicting classifications of pathogenicity. Review status: criteria provided, conflicting classifications (1 of 4 stars). 15 submissions from 14 submitters: Uncertain significance (3); Benign (5); Likely benign (3). 4 of the submissions do not count toward it. Last evaluated 2026-09-01.

Conditions:
Retinitis pigmentosa (RP). Identifiers: Orphanet 791, MedGen C0035334, MeSH D012174, MONDO:0019200, OMIM 268000. Inheritance: Autosomal dominant, autosomal recessive and X linked inheritance.
Usher syndrome type 2A. Also called: RETINAL DISEASE IN USHER SYNDROME TYPE IIA, MODIFIER OF; USHER SYNDROME, TYPE IIA. Identifiers: Orphanet 231178, Orphanet 886, MedGen C1848634, MONDO:0010169, OMIM 276901.

Allele frequency attached by ClinVar (database versions not stated): 1000 Genomes Project 30x 0.00156; 1000 Genomes Project 0.00160; TOPMed 0.00220; gnomAD 0.00233 and 0.00234; ExAC 0.00240; ESP Exome Variant Server 0.00208.
gnomAD v4.1: 5,481 of 1,613,778 alleles (0.34%); highest among the groups gnomAD compares: Non-Finnish European, 0.4%; 12 homozygotes.

Submissions (15):

CeGaT Center for Human Genetics Tuebingen
Classification: Likely benign. Last evaluated: 2026-09-01. Review status: criteria provided, single submitter. Criteria: CeGaT Center For Human Genetics Tuebingen Variant Classification Criteria Version 2. Collection method: clinical testing. Allele origin: germline. Affected: yes. Observed: 7 variant alleles.
Comment: USH2A: BP4, BP7

Labcorp Genetics (formerly Invitae), Labcorp
Classification: Benign. Last evaluated: 2026-02-04. Review status: criteria provided, single submitter. Criteria: Invitae Variant Classification Sherloc (09022015). Collection method: clinical testing. Allele origin: germline.

Blueprint Genetics
Classification: Likely benign. Last evaluated: 2024-11-22. Review status: criteria provided, single submitter. Criteria: ACMG Guidelines, 2015. Collection method: clinical testing. Allele origin: germline.

ARUP Laboratories, Molecular Genetics and Genomics, ARUP Laboratories
Classification: Benign. Last evaluated: 2023-10-03. Review status: criteria provided, single submitter. Criteria: ARUP Molecular Germline Variant Investigation Process 2024. Collection method: clinical testing. Allele origin: germline.

Genome-Nilou Lab
Classification: Likely benign for Usher syndrome type 2A. Last evaluated: 2021-05-18. Review status: criteria provided, single submitter. Criteria: ACMG Guidelines, 2015. Collection method: clinical testing. Allele origin: germline. Affected: no.

Athena Diagnostics
Classification: Benign. Last evaluated: 2019-03-21. Review status: criteria provided, single submitter. Criteria: Athena Diagnostics Criteria. Collection method: clinical testing. Allele origin: germline.

Illumina Laboratory Services, Illumina
Classification: Uncertain significance for Retinitis pigmentosa. Last evaluated: 2017-04-27. Review status: criteria provided, single submitter. Criteria: ICSL Variant Classification Criteria 13 December 2019. Collection method: clinical testing. Allele origin: germline.

Illumina Laboratory Services, Illumina
Classification: Uncertain significance for Usher syndrome type 2A. Last evaluated: 2017-04-27. Review status: criteria provided, single submitter. Criteria: ICSL Variant Classification Criteria 13 December 2019. Collection method: clinical testing. Allele origin: germline.

Eurofins Ntd Llc (ga)
Classification: Uncertain significance. Last evaluated: 2015-07-10. Review status: criteria provided, single submitter. Criteria: EGL Classification Definitions 2015. Collection method: clinical testing. Allele origin: germline. Observed: 1 variant allele, 1 heterozygote.

GeneDx
Classification: Benign. Last evaluated: 2015-03-03. Review status: criteria provided, single submitter. Criteria: GeneDx Variant Classification Process June 2021. Collection method: clinical testing. Allele origin: germline. Affected: yes.

Laboratory for Molecular Medicine, Mass General Brigham Personalized Medicine
Classification: Benign. Last evaluated: 2014-01-30. Review status: criteria provided, single submitter. Criteria: LMM Criteria. Collection method: clinical testing. Allele origin: germline. Observed: 10 variant alleles.
Comment: Ile1520Ile in Exon 21A of USH2A: This variant is not expected to have clinical s ignificance because it does not alter an amino acid residue, is not located with in the splice consensus sequence, and has been identified in 0.3% (27/8600) of E uropean American chromosomes from a broad population by the NHLBI Exome Sequenci ng Project (dbSNP rs148000219).

Natera, Inc.
Classification: Likely benign for Usher syndrome type 2A. Last evaluated: 2019-12-31. Review status: no assertion criteria provided. Collection method: clinical testing. Allele origin: germline. Not counted in ClinVar's aggregate classification.

Clinical Genetics DNA and cytogenetics Diagnostics Lab, Erasmus MC, Erasmus Medical Center
Classification: Likely benign. Review status: no assertion criteria provided. Collection method: clinical testing. Allele origin: germline. Affected: yes. Study: VKGL Data-share Consensus. Not counted in ClinVar's aggregate classification.

Clinical Genetics, Academic Medical Center
Classification: Likely benign. Review status: no assertion criteria provided. Collection method: clinical testing. Allele origin: germline. Affected: yes. Study: VKGL Data-share Consensus. Not counted in ClinVar's aggregate classification.

Joint Genome Diagnostic Labs from Nijmegen and Maastricht, Radboudumc and MUMC+
Classification: Benign. Review status: no assertion criteria provided. Collection method: clinical testing. Allele origin: germline. Affected: yes. Study: VKGL Data-share Consensus. Not counted in ClinVar's aggregate classification.

Literature cited by the submitters: PubMed 22135276 (cited by Athena Diagnostics); PubMed 19683999 (cited by Athena Diagnostics and Laboratory for Molecular Medicine, Mass General Brigham Personalized Medicine); PubMed 10738000 (cited by Athena Diagnostics); PubMed 20591486 (cited by Athena Diagnostics and Laboratory for Molecular Medicine, Mass General Brigham Personalized Medicine); PubMed 20801516 (cited by Athena Diagnostics and Laboratory for Molecular Medicine, Mass General Brigham Personalized Medicine).